The following is an entry in ClinVar:

ClinVar aggregate classification (germline): Uncertain significance (1 of 4 stars; one submission).

Allele frequency attached by ClinVar (database versions not stated): gnomAD exomes below 0.00001.
gnomAD v4.1: 5 of 1,598,078 alleles (0.00031%); highest among the groups gnomAD compares: Middle Eastern, 0.017%; no homozygotes.

Submission:

Labcorp Genetics (formerly Invitae), Labcorp
Classification: Uncertain significance. Last evaluated: 2024-10-16. Review status: criteria provided, single submitter. Criteria: Invitae Variant Classification Sherloc (09022015). Collection method: clinical testing. Allele origin: germline.
Comment: This sequence change replaces lysine, which is basic and polar, with glutamic acid, which is acidic and polar, at codon 83 of the CERKL protein (p.Lys83Glu). The frequency data for this variant in the population databases is considered unreliable, as metrics indicate poor data quality at this position in the gnomAD database. This variant has not been reported in the literature in individuals affected with CERKL-related conditions. ClinVar contains an entry for this variant (Variation ID: 2158473). Invitae Evidence Modeling of protein sequence and biophysical properties (such as structural, functional, and spatial information, amino acid conservation, physicochemical variation, residue mobility, and thermodynamic stability) indicates that this missense variant is not expected to disrupt CERKL protein function with a negative predictive value of 95%. In summary, the available evidence is currently insufficient to determine the role of this variant in disease. Therefore, it has been classified as a Variant of Uncertain Significance.

NM_201548.5(CERKL):c.247A>G (p.Lys83Glu)

Gene: CERKL (CERK like autophagy regulator; minus strand). Cytogenetic location: 2q31.3.
Variant type: single nucleotide variant.
Coding change: c.247A>G on transcript NM_201548.5 (MANE Select); coding-DNA position 247, A replaced by G.
Protein change: p.Lys83Glu; replaces lysine 83 with glutamic acid.
Molecular consequence: missense variant. On other transcripts: non-coding transcript variant (2).
Genome position (GRCh38, 1-based): chr2:181,604,071, T>C on the plus strand (A>G on the coding strand, the complement: CERKL is on the minus strand). VCF-style: chr2-181604071-T-C. GRCh37 (hg19) VCF-style: chr2-182468798-T-C.
Other names: c.247A>G, p.Lys83Glu (NM_001030311.3, NM_001030312.3, NM_001030313.3 and 3 more transcripts); short protein forms K83E.
Identifiers: ClinVar variation 2158473 (VCV002158473.3), dbSNP rs1430493958, ClinGen allele CA349731119.